The following is an entry in ClinVar:

ClinVar aggregate classification (germline): Likely benign (1 of 4 stars; one submission).

Submission:

CeGaT Center for Human Genetics Tuebingen
Classification: Likely benign. Last evaluated: 2026-03-01. Review status: criteria provided, single submitter. Criteria: CeGaT Center For Human Genetics Tuebingen Variant Classification Criteria Version 2. Collection method: clinical testing. Allele origin: germline. Affected: yes. Observed: 1 variant allele.
Comment: COX7B: BS2

NC_000023.11:g.77910283T>C

Gene: COX7B (cytochrome c oxidase subunit 7B; plus strand). Cytogenetic location: Xq21.1.
Variant type: single nucleotide variant.
Genome position: GRCh38 VCF-style: chrX-77910283-T-C. GRCh37 (hg19) VCF-style: chrX-77165780-T-C.
Identifiers: ClinVar variation 4822296 (VCV004822296.4).